The following is an entry in ClinVar:

NM_006767.4(LZTR1):c.520G>T (p.Ala174Ser)

Gene: LZTR1 (leucine zipper like post translational regulator 1; plus strand). Cytogenetic location: 22q11.21.
Variant type: single nucleotide variant.
Coding change: c.520G>T on transcript NM_006767.4 (MANE Select); coding-DNA position 520, G replaced by T.
Protein change: p.Ala174Ser; replaces alanine 174 with serine.
Molecular consequence: missense variant.
Genome position (GRCh38, 1-based): chr22:20,988,799, G>T. VCF-style: chr22-20988799-G-T. GRCh37 (hg19) VCF-style: chr22-21343088-G-T.
Other names: short protein forms A174S.
Identifiers: ClinVar variation 3646082 (VCV003646082.2).
Genomic context (GRCh38, chr22:20,988,799, plus strand): 5'-AGGTCTGTGCTGGGCGGCCTCACTCCCTCCCCTCTTCCCTCACACTCCAGGTTGCCAGTC[G>T]CTAGGTCAGCCCATGGGGCCACGGTGTACAGTGACAAGCTGTGGATCTTTGCTGGCTATG-3'
Protein context (NP_006758.2, residues 164-184): EWKIEGRLPV[Ala174Ser]RSAHGATVYS

ClinVar aggregate classification (germline): Uncertain significance (1 of 4 stars; one submission).

Submission:

Labcorp Genetics (formerly Invitae), Labcorp
Classification: Uncertain significance. Last evaluated: 2024-03-15. Review status: criteria provided, single submitter. Criteria: Invitae Variant Classification Sherloc (09022015). Collection method: clinical testing. Allele origin: germline.
Comment: This sequence change replaces alanine, which is neutral and non-polar, with serine, which is neutral and polar, at codon 174 of the LZTR1 protein (p.Ala174Ser). This variant is not present in population databases (gnomAD no frequency). This variant has not been reported in the literature in individuals affected with LZTR1-related conditions. Advanced modeling of protein sequence and biophysical properties (such as structural, functional, and spatial information, amino acid conservation, physicochemical variation, residue mobility, and thermodynamic stability) performed at Invitae indicates that this missense variant is not expected to disrupt LZTR1 protein function with a negative predictive value of 80%. In summary, the available evidence is currently insufficient to determine the role of this variant in disease. Therefore, it has been classified as a Variant of Uncertain Significance.